The following is an entry in ClinVar:

NM_014249.4(NR2E3):c.1068C>G (p.His356Gln)

Gene: NR2E3 (nuclear receptor subfamily 2 group E member 3; plus strand). Cytogenetic location: 15q23.
Variant type: single nucleotide variant.
Coding change: c.1068C>G on transcript NM_014249.4 (MANE Select); coding-DNA position 1068, C replaced by G.
Protein change: p.His356Gln; replaces histidine 356 with glutamine.
Molecular consequence: missense variant.
Genome position (GRCh38, 1-based): chr15:71,814,085, C>G. VCF-style: chr15-71814085-C-G. GRCh37 (hg19) VCF-style: chr15-72106426-C-G.
Other names: c.1068C>G, p.His356Gln (NM_016346.4); short protein forms H356Q.
Identifiers: ClinVar variation 4780001 (VCV004780001.1).

ClinVar aggregate classification (germline): Uncertain significance (1 of 4 stars; one submission).

Submission:

Labcorp Genetics (formerly Invitae), Labcorp
Classification: Uncertain significance. Last evaluated: 2025-08-17. Review status: criteria provided, single submitter. Criteria: Invitae Variant Classification Sherloc (09022015). Collection method: clinical testing. Allele origin: germline.
Comment: This sequence change replaces histidine, which is basic and polar, with glutamine, which is neutral and polar, at codon 356 of the NR2E3 protein (p.His356Gln). This variant is not present in population databases (gnomAD no frequency). This missense change has been observed in individual(s) with NR2E3-related conditions (PMID: 36460718). Invitae Evidence Modeling of protein sequence and biophysical properties (such as structural, functional, and spatial information, amino acid conservation, physicochemical variation, residue mobility, and thermodynamic stability) indicates that this missense variant is not expected to disrupt NR2E3 protein function with a negative predictive value of 80%. In summary, the available evidence is currently insufficient to determine the role of this variant in disease. Therefore, it has been classified as a Variant of Uncertain Significance.

Literature cited by the submitters: PubMed 36460718.